The following is an entry in ClinVar:

ClinVar aggregate classification (germline): Uncertain significance (1 of 4 stars; one submission).

Conditions:
Cone-rod dystrophy 13 (CORD13). Identifiers: Orphanet 1872, MedGen C2750720, MONDO:0011987, OMIM 608194.
Leber congenital amaurosis 6 (LCA6). Identifiers: Orphanet 65, MedGen C1854260, MONDO:0013446, OMIM 613826.

Allele frequency attached by ClinVar (database versions not stated): gnomAD exomes below 0.00001 and 0.00001; TOPMed below 0.00001; ExAC 0.00003.
gnomAD v4.1: 6 of 1,607,544 alleles (0.00037%); highest among the groups gnomAD compares: Non-Finnish European, 0.00051%; no homozygotes.

Submission:

Labcorp Genetics (formerly Invitae), Labcorp
Classification: Uncertain significance for Leber congenital amaurosis 6; Cone-rod dystrophy 13. Last evaluated: 2022-03-19. Review status: criteria provided, single submitter. Criteria: Invitae Variant Classification Sherloc (09022015). Collection method: clinical testing. Allele origin: germline.
Comment: In summary, the available evidence is currently insufficient to determine the role of this variant in disease. Therefore, it has been classified as a Variant of Uncertain Significance. Algorithms developed to predict the effect of missense changes on protein structure and function output the following: SIFT: "Tolerated"; PolyPhen-2: "Benign"; Align-GVGD: "Class C0". The serine amino acid residue is found in multiple mammalian species, which suggests that this missense change does not adversely affect protein function. ClinVar contains an entry for this variant (Variation ID: 1060458). This variant has not been reported in the literature in individuals affected with RPGRIP1-related conditions. This variant is present in population databases (rs756204198, gnomAD 0.002%). This sequence change replaces glycine, which is neutral and non-polar, with serine, which is neutral and polar, at codon 1087 of the RPGRIP1 protein (p.Gly1087Ser).

NM_020366.4(RPGRIP1):c.3259G>A (p.Gly1087Ser)

Gene: RPGRIP1 (RPGR interacting protein 1; plus strand). Cytogenetic location: 14q11.2.
Variant type: single nucleotide variant.
Coding change: c.3259G>A on transcript NM_020366.4 (MANE Select); coding-DNA position 3259, G replaced by A.
Protein change: p.Gly1087Ser; replaces glycine 1087 with serine.
Molecular consequence: missense variant.
Genome position (GRCh38, 1-based): chr14:21,334,625, G>A. VCF-style: chr14-21334625-G-A. GRCh37 (hg19) VCF-style: chr14-21802784-G-A.
Other names: c.1237G>A, p.Gly413Ser (NM_001377523.1, NM_001377950.1); c.2185G>A, p.Gly729Ser (NM_001377948.1); c.1345G>A, p.Gly449Ser (NM_001377949.1); c.742G>A, p.Gly248Ser (NM_001377951.1); short protein forms G1087S, G248S, G413S, G449S, G729S.
Identifiers: ClinVar variation 1060458 (VCV001060458.8), dbSNP rs756204198, ClinGen allele CA7089474.
Genomic context (GRCh38, chr14:21,334,625, plus strand): 5'-CTTTGAAACAGTTCTATAACTGCAACCTCTTCTCTAGCAGACAAAGAATCCTCTGAACAA[G>A]GTTCTGAAGTCAGTGAAGCACAAACTACCGACAGTGATGATGTCATAGTGCCACCCATGT-3'
Protein context (NP_065099.3, residues 1077-1097): PVNDKESSEQ[Gly1087Ser]SEVSEAQTTD